The following is an entry in ClinVar:

NM_001081.4(CUBN):c.6493C>T (p.Pro2165Ser)

Gene: CUBN (cubilin; minus strand). Cytogenetic location: 10p13.
Variant type: single nucleotide variant.
Coding change: c.6493C>T on transcript NM_001081.4 (MANE Select); coding-DNA position 6493, C replaced by T.
Protein change: p.Pro2165Ser; replaces proline 2165 with serine.
Molecular consequence: missense variant.
Genome position (GRCh38, 1-based): chr10:16,925,394, G>A on the plus strand (C>T on the coding strand, the complement: CUBN is on the minus strand). VCF-style: chr10-16925394-G-A. GRCh37 (hg19) VCF-style: chr10-16967393-G-A.
Other names: short protein forms P2165S.
Identifiers: ClinVar variation 3592702 (VCV003592702.2).

ClinVar aggregate classification (germline): Uncertain significance. Review status: criteria provided, multiple submitters, no conflicts (2 of 4 stars). 2 submissions from 2 submitters: Uncertain significance (2). Last evaluated 2026-08-11.

Conditions:
Proteinuria, chronic benign. Identifiers: MedGen C5394384, MONDO:0030042, OMIM 618884.
Imerslund-Grasbeck syndrome type 1 (IGS1). Also called: Megaloblastic anemia 1, Finnish type; Imerslund-Gräsbeck syndrome 1; MEGALOBLASTIC ANEMIA, 1. Identifiers: MedGen C4016819, MONDO:0100156, OMIM 261100.
CUBN-related disorder. Also called: CUBN-related condition.

gnomAD v4.1: 8 of 1,613,854 alleles (0.0005%); highest among the groups gnomAD compares: African/African-American, 0.0093%; no homozygotes.

Submissions (2):

PreventionGenetics, part of Exact Sciences
Classification: Uncertain significance for CUBN-related condition. Last evaluated: 2026-08-11. Review status: criteria provided, single submitter. Criteria: ACMG Guidelines, 2015. Collection method: clinical testing. Allele origin: germline.
Comment: The CUBN c.6493C>T variant is predicted to result in the amino acid substitution p.Pro2165Ser. To our knowledge, this variant has not been reported in the literature. This variant is reported in 0.0080% of alleles in individuals of African descent in gnomAD. At this time, the clinical significance of this variant is uncertain due to the absence of conclusive functional and genetic evidence.

Fulgent Genetics
Classification: Uncertain significance for Imerslund-Grasbeck syndrome type 1; Proteinuria, chronic benign. Last evaluated: 2024-05-23. Review status: criteria provided, single submitter. Criteria: ACMG Guidelines, 2015. Collection method: clinical testing. Allele origin: germline.